The following is an entry in ClinVar:

NM_007055.4(POLR3A):c.2305C>T (p.Arg769Trp)

Gene: POLR3A (RNA polymerase III subunit A; minus strand). Cytogenetic location: 10q22.3.
Variant type: single nucleotide variant.
Coding change: c.2305C>T on transcript NM_007055.4 (MANE Select); coding-DNA position 2305, C replaced by T.
Protein change: p.Arg769Trp; replaces arginine 769 with tryptophan.
Molecular consequence: missense variant.
Genome position (GRCh38, 1-based): chr10:78,002,251, G>A on the plus strand (C>T on the coding strand, the complement: POLR3A is on the minus strand). VCF-style: chr10-78002251-G-A. GRCh37 (hg19) VCF-style: chr10-79762009-G-A.
Other names: short protein forms R769W.
Identifiers: ClinVar variation 2172775 (VCV002172775.1), dbSNP rs188164557, ClinGen allele CA5571162.

ClinVar aggregate classification (germline): Uncertain significance (1 of 4 stars; one submission).

Allele frequency attached by ClinVar (database versions not stated): ExAC 0.00005; TOPMed 0.00005; gnomAD 0.00007; 1000 Genomes Project 30x 0.00016; 1000 Genomes Project 0.00020.
gnomAD v4.1: 103 of 1,604,958 alleles (0.0064%); highest among the groups gnomAD compares: Non-Finnish European, 0.0077%; no homozygotes.

Submission:

Labcorp Genetics (formerly Invitae), Labcorp
Classification: Uncertain significance. Last evaluated: 2022-08-29. Review status: criteria provided, single submitter. Criteria: Invitae Variant Classification Sherloc (09022015). Collection method: clinical testing. Allele origin: germline.
Comment: This sequence change replaces arginine, which is basic and polar, with tryptophan, which is neutral and slightly polar, at codon 769 of the POLR3A protein (p.Arg769Trp). The frequency data for this variant in the population databases is considered unreliable, as metrics indicate poor data quality at this position in the gnomAD database. This variant has not been reported in the literature in individuals affected with POLR3A-related conditions. Algorithms developed to predict the effect of missense changes on protein structure and function are either unavailable or do not agree on the potential impact of this missense change (SIFT: "Deleterious"; PolyPhen-2: "Possibly Damaging"; Align-GVGD: "Class C0"). In summary, the available evidence is currently insufficient to determine the role of this variant in disease. Therefore, it has been classified as a Variant of Uncertain Significance.